The following is an entry in ClinVar:

ClinVar aggregate classification (germline): Uncertain significance. Review status: criteria provided, multiple submitters, no conflicts (2 of 4 stars). 3 submissions from 3 submitters: Uncertain significance (3). Last evaluated 2026-02-16.

Conditions:
Monocytopenia with susceptibility to infections. Also called: IMMUNODEFICIENCY 21; GATA2 DEFICIENCY; MONOCYTOPENIA AND MYCOBACTERIAL INFECTION SYNDROME; MONOCYTOPENIA WITH SUSCEPTIBILITY TO MYCOBACTERIAL, FUNGAL, AND PAPILLOMAVIRUS INFECTIONS AND MYELODYSPLASIA; COMBINED IMMUNODEFICIENCY WITH SUSCEPTIBILITY TO MYCOBACTERIAL, VIRAL, AND FUNGAL INFECTIONS; Dendritic cell, monocyte, B lymphocyte, and natural killer lymphocyte deficiency. Identifiers: Orphanet 228423, MedGen C3280030, MONDO:0013607, OMIM 614172.
Deafness-lymphedema-leukemia syndrome. Also called: Lymphedema, primary, with myelodysplasia; Emberger syndrome. Identifiers: Orphanet 3226, MedGen C3279664, MONDO:0013540, OMIM 614038.
Inborn genetic diseases. Identifiers: MedGen C0950123, MeSH D030342.

Submissions (3):

Ambry Genetics
Classification: Uncertain significance for Inborn genetic diseases. Last evaluated: 2026-02-16. Review status: criteria provided, single submitter. Criteria: Ambry Variant Classification Scheme 2023. Collection method: clinical testing. Allele origin: germline.
Comment: The p.A107T variant (also known as c.319G>A), located in coding exon 2 of the GATA2 gene, results from a G to A substitution at nucleotide position 319. The alanine at codon 107 is replaced by threonine, an amino acid with similar properties. This amino acid position is conserved. In addition, the in silico prediction for this alteration is inconclusive. Based on the available evidence, the clinical significance of this variant remains unclear.

Labcorp Genetics (formerly Invitae), Labcorp
Classification: Uncertain significance for Monocytopenia with susceptibility to infections; Deafness-lymphedema-leukemia syndrome. Last evaluated: 2023-11-13. Review status: criteria provided, single submitter. Criteria: Invitae Variant Classification Sherloc (09022015). Collection method: clinical testing. Allele origin: germline.
Comment: This sequence change replaces alanine, which is neutral and non-polar, with threonine, which is neutral and polar, at codon 107 of the GATA2 protein (p.Ala107Thr). This variant is not present in population databases (gnomAD no frequency). This variant has not been reported in the literature in individuals affected with GATA2-related conditions. ClinVar contains an entry for this variant (Variation ID: 1433861). Advanced modeling of protein sequence and biophysical properties (such as structural, functional, and spatial information, amino acid conservation, physicochemical variation, residue mobility, and thermodynamic stability) has been performed at Invitae for this missense variant, however the output from this modeling did not meet the statistical confidence thresholds required to predict the impact of this variant on GATA2 protein function. In summary, the available evidence is currently insufficient to determine the role of this variant in disease. Therefore, it has been classified as a Variant of Uncertain Significance.

GeneDx
Classification: Uncertain significance. Last evaluated: 2023-04-05. Review status: criteria provided, single submitter. Criteria: GeneDx Variant Classification Process June 2021. Collection method: clinical testing. Allele origin: germline. Affected: yes.
Comment: Not observed at significant frequency in large population cohorts (gnomAD); In silico analysis supports that this missense variant does not alter protein structure/function; Has not been previously published as pathogenic or benign to our knowledge

NM_032638.5(GATA2):c.319G>A (p.Ala107Thr)

Gene: GATA2 (GATA binding protein 2; minus strand). Cytogenetic location: 3q21.3.
Variant type: single nucleotide variant.
Coding change: c.319G>A on transcript NM_032638.5 (MANE Select); coding-DNA position 319, G replaced by A.
Protein change: p.Ala107Thr; replaces alanine 107 with threonine.
Molecular consequence: missense variant.
Genome position (GRCh38, 1-based): chr3:128,486,279, C>T on the plus strand (G>A on the coding strand, the complement: GATA2 is on the minus strand). VCF-style: chr3-128486279-C-T. GRCh37 (hg19) VCF-style: chr3-128205122-C-T.
Other names: c.319G>A (NM_032638.4); c.319G>A, p.Ala107Thr (NM_001145661.2, NM_001145662.1); short protein forms A107T.
Identifiers: ClinVar variation 1433861 (VCV001433861.9), dbSNP rs2107672841, ClinGen allele CA354407370.
Genomic context (GRCh38, chr3:128,486,279, plus strand): 5'-GCAGTGGCGTCTTGGAGAAGGGGCTCACGGTCCAGGGGTTGTGGTGGTGGGCCGCAGCGG[C>T]AGAGAGGGCTGCTTTGCCCCCGTCCAGCCAGGGCAAACCCGGGCTGTGCAACAAGTGTGG-3'
Protein context (NP_116027.2, residues 97-117): WLDGGKAALS[Ala107Thr]AAAHHHNPWT